The following is an entry in ClinVar:

NM_001267550.2(TTN):c.28900_28901del (p.Asp9634fs)

Gene: TTN (titin; minus strand). Cytogenetic location: 2q31.2.
Variant type: Deletion.
Coding change: c.28900_28901del on transcript NM_001267550.2 (MANE Select); coding-DNA positions 28900 to 28901, 2 bases deleted (GA; older notation c.28900_28901delGA).
Protein change: p.Asp9634fs; shifts the reading frame from aspartic acid 9634.
Molecular consequence: frameshift variant. On other transcripts: intron variant (3).
Genome position (GRCh38, 1-based): chr2:178,707,666-178,707,667, TC deleted on the plus strand (GA on the coding strand, the reverse complement: TTN is on the minus strand); deleting any 2 consecutive bases within chr2:178,707,666-178,707,668 gives the same sequence; the c. name uses the placement nearest the transcript's 3' end. VCF-style (leftmost placement, unchanged base first): chr2-178707665-GTC-G. GRCh37 (hg19) VCF-style: chr2-179572392-GTC-G.
Other names: c.27949_27950del, p.Asp9317fs (NM_001256850.1); c.25168_25169del, p.Asp8390fs (NM_133378.4); c.13282+30415_13282+30416del (NM_003319.4); c.13858+30415_13858+30416del (NM_133437.4); c.13657+30415_13657+30416del (NM_133432.3); short protein forms D8390fs, D9317fs, D9634fs.
Identifiers: ClinVar variation 3754857 (VCV003754857.2).
Genomic context (GRCh38, chr2:178,707,665, plus strand): 5'-TTTAGCCACATCTCTGAGTTCCAGTACAGCTGTCCCACTAGCAAAGCTGAAGCTGCATCT[GTC>G]TGAAGGCTTTATTTCCCTGCCAGCCTTCAACCACTGGATCCTAATTGGCTCAGATCCCTG-3'

ClinVar aggregate classification (germline): Likely pathogenic (1 of 4 stars; one submission).

Conditions:
Autosomal recessive limb-girdle muscular dystrophy type 2J (LGMDR10). Also called: Limb-girdle muscular dystrophy, type 2J; MUSCULAR DYSTROPHY, LIMB-GIRDLE, AUTOSOMAL RECESSIVE 10. Identifiers: Orphanet 140922, MedGen C1837342, MONDO:0012127, OMIM 608807.
Dilated cardiomyopathy 1G (CMD1G). Identifiers: Orphanet 154, MedGen C1858763, MONDO:0011400, OMIM 604145.

Submission:

Labcorp Genetics (formerly Invitae), Labcorp
Classification: Likely pathogenic for Dilated cardiomyopathy 1G; Autosomal recessive limb-girdle muscular dystrophy type 2J. Last evaluated: 2025-04-11. Review status: criteria provided, single submitter. Criteria: Invitae Variant Classification Sherloc (09022015). Collection method: clinical testing. Allele origin: germline.
Comment: This sequence change creates a premature translational stop signal (p.Asp9634Glnfs*8) in the TTN gene. While this is not anticipated to result in nonsense mediated decay, it is expected to create a truncated TTN protein. This variant is not present in population databases (gnomAD no frequency). This variant has not been reported in the literature in individuals affected with TTN-related conditions. ClinVar contains an entry for this variant (Variation ID: 3754857). Algorithms developed to predict the effect of sequence changes on RNA splicing suggest that this variant may disrupt the consensus splice site. This variant is located in the I band of TTN (PMID: 25589632). Truncating variants in this region have been reported in individuals affected with autosomal recessive centronuclear myopathy (PMID: 23975875, internal data). Truncating variants in this region have also been identified in individuals affected with autosomal dominant dilated cardiomyopathy and/or cardio-related conditions (PMID: 27869827, 32964742, internal data). In summary, the currently available evidence indicates that the variant is pathogenic, but additional data are needed to prove that conclusively. Therefore, this variant has been classified as Likely Pathogenic.

Literature cited by the submitters: PubMed 25589632; PubMed 23975875; PubMed 27869827; PubMed 32964742.